The following is an entry in ClinVar:

ClinVar aggregate classification (germline): Uncertain significance. Review status: criteria provided, multiple submitters, no conflicts (2 of 4 stars). 2 submissions from 2 submitters: Uncertain significance (2). Last evaluated 2023-10-28.

Conditions:
Familial cancer of breast. Also called: BREAST CANCER, FAMILIAL; Hereditary breast cancer; hereditary breast carcinoma. Identifiers: Orphanet 227535, MedGen C0346153, MONDO:0016419, OMIM 114480. Disease mechanism: loss of function.
Hereditary cancer-predisposing syndrome. Also called: Tumor predisposition; Neoplastic Syndromes, Hereditary; Hereditary neoplastic syndrome; Hereditary Cancer Syndrome. Identifiers: Orphanet 140162, MedGen C0027672, MeSH D009386, MONDO:0015356.

Submissions (2):

Labcorp Genetics (formerly Invitae), Labcorp
Classification: Uncertain significance for Familial cancer of breast. Last evaluated: 2023-10-28. Review status: criteria provided, single submitter. Criteria: Invitae Variant Classification Sherloc (09022015). Collection method: clinical testing. Allele origin: germline.
Comment: This sequence change replaces aspartic acid, which is acidic and polar, with valine, which is neutral and non-polar, at codon 525 of the PALB2 protein (p.Asp525Val). This variant is not present in population databases (gnomAD no frequency). This variant has not been reported in the literature in individuals affected with PALB2-related conditions. ClinVar contains an entry for this variant (Variation ID: 850362). Advanced modeling of protein sequence and biophysical properties (such as structural, functional, and spatial information, amino acid conservation, physicochemical variation, residue mobility, and thermodynamic stability) performed at Invitae indicates that this missense variant is not expected to disrupt PALB2 protein function with a negative predictive value of 80%. In summary, the available evidence is currently insufficient to determine the role of this variant in disease. Therefore, it has been classified as a Variant of Uncertain Significance.

Ambry Genetics
Classification: Uncertain significance for Hereditary cancer-predisposing syndrome. Last evaluated: 2022-11-11. Review status: criteria provided, single submitter. Criteria: Ambry Variant Classification Scheme 2023. Collection method: clinical testing. Allele origin: germline.
Comment: The p.D525V variant (also known as c.1574A>T), located in coding exon 4 of the PALB2 gene, results from an A to T substitution at nucleotide position 1574. The aspartic acid at codon 525 is replaced by valine, an amino acid with highly dissimilar properties. This amino acid position is conserved. In addition, this alteration is predicted to be tolerated by in silico analysis. Since supporting evidence is limited at this time, the clinical significance of this alteration remains unclear.

NM_024675.4(PALB2):c.1574A>T (p.Asp525Val)

Gene: PALB2 (partner and localizer of BRCA2; minus strand). Cytogenetic location: 16p12.2.
Variant type: single nucleotide variant.
Coding change: c.1574A>T on transcript NM_024675.4 (MANE Select); coding-DNA position 1574, A replaced by T.
Protein change: p.Asp525Val; replaces aspartic acid 525 with valine.
Molecular consequence: missense variant.
Genome position (GRCh38, 1-based): chr16:23,634,972, T>A on the plus strand (A>T on the coding strand, the complement: PALB2 is on the minus strand). VCF-style: chr16-23634972-T-A. GRCh37 (hg19) VCF-style: chr16-23646293-T-A.
Other names: short protein forms D525V.
Identifiers: ClinVar variation 850362 (VCV000850362.12), dbSNP rs1966956081, ClinGen allele CA395130677.